The following is an entry in ClinVar:

NM_001166114.2(PNPLA6):c.1707G>A (p.Gly569=)

Gene: PNPLA6 (patatin like domain 6, lysophospholipase; plus strand). Cytogenetic location: 19p13.2.
Variant type: single nucleotide variant.
Coding change: c.1707G>A on transcript NM_001166114.2 (MANE Select); coding-DNA position 1707, G replaced by A.
Protein change: p.Gly569=; no amino-acid change (glycine 569 retained).
Molecular consequence: synonymous variant.
Genome position (GRCh38, 1-based): chr19:7,550,005, G>A. VCF-style: chr19-7550005-G-A. GRCh37 (hg19) VCF-style: chr19-7614891-G-A.
Other names: c.1734G>A, p.Gly578= (NM_001166111.2); c.1512G>A, p.Gly504= (NM_001166112.2); c.1590G>A, p.Gly530= (NM_001166113.1, NM_006702.5).
Identifiers: ClinVar variation 733477 (VCV000733477.13), dbSNP rs369854428, ClinGen allele CA9139910.

ClinVar aggregate classification (germline): Likely benign. Review status: criteria provided, multiple submitters, no conflicts (2 of 4 stars). 2 submissions from 2 submitters: Likely benign (2). Last evaluated 2025-03-01.

Conditions:
Hereditary spastic paraplegia 39 (SPG39). Also called: Spastic Paraplegia Type 39 (SPG39); SPASTIC PARAPLEGIA 39, AUTOSOMAL RECESSIVE. Identifiers: Orphanet 139480, MedGen C2677586, MONDO:0012787, OMIM 612020.

Allele frequency attached by ClinVar (database versions not stated): ESP Exome Variant Server 0.00008; TOPMed below 0.00001; gnomAD 0.00001.
gnomAD v4.1: 3 of 1,613,980 alleles (0.00019%); highest among the groups gnomAD compares: Non-Finnish European, 0.00025%; no homozygotes.

Submissions (2):

CeGaT Center for Human Genetics Tuebingen
Classification: Likely benign. Last evaluated: 2025-03-01. Review status: criteria provided, single submitter. Criteria: CeGaT Center For Human Genetics Tuebingen Variant Classification Criteria Version 2. Collection method: clinical testing. Allele origin: germline. Affected: yes. Observed: 1 variant allele.
Comment: PNPLA6: BP4, BP7

Labcorp Genetics (formerly Invitae), Labcorp
Classification: Likely benign for Hereditary spastic paraplegia 39. Last evaluated: 2022-12-18. Review status: criteria provided, single submitter. Criteria: Invitae Variant Classification Sherloc (09022015). Collection method: clinical testing. Allele origin: germline.